The following is an entry in ClinVar:

NM_004370.6(COL12A1):c.2711-5T>G

Gene: COL12A1 (collagen type XII alpha 1 chain; minus strand). Cytogenetic location: 6q13.
Variant type: single nucleotide variant.
Coding change: c.2711-5T>G on transcript NM_004370.6 (MANE Select); 5 bases into the intron before coding-DNA position 2711, T replaced by G.
Molecular consequence: intron variant.
Genome position (GRCh38, 1-based): chr6:75,165,784, A>C on the plus strand (T>G on the coding strand, the complement: COL12A1 is on the minus strand). VCF-style: chr6-75165784-A-C. GRCh37 (hg19) VCF-style: chr6-75875500-A-C.
Other names: c.74-13302T>G (NM_080645.3).
Identifiers: ClinVar variation 1988466 (VCV001988466.4), dbSNP rs1033246380, ClinGen allele CA141017451.

ClinVar aggregate classification (germline): Uncertain significance (1 of 4 stars; one submission).

Conditions:
Ullrich congenital muscular dystrophy 2 (UCMD2). Identifiers: Orphanet 75840, MedGen C4225314, MONDO:0014654, OMIM 616470.
Bethlem myopathy 2 (BTHLM2). Identifiers: Orphanet 536516, Orphanet 610, MedGen C4225313, MONDO:0034022, OMIM 616471.

Allele frequency attached by ClinVar (database versions not stated): gnomAD exomes below 0.00001; gnomAD 0.00001; TOPMed 0.00001.
gnomAD v4.1: 2 of 1,610,096 alleles (0.00012%); highest among the groups gnomAD compares: East Asian, 0.0045%; no homozygotes.

Submission:

Labcorp Genetics (formerly Invitae), Labcorp
Classification: Uncertain significance for Bethlem myopathy 2; Ullrich congenital muscular dystrophy 2. Last evaluated: 2021-12-27. Review status: criteria provided, single submitter. Criteria: Invitae Variant Classification Sherloc (09022015). Collection method: clinical testing. Allele origin: germline.
Comment: In summary, the available evidence is currently insufficient to determine the role of this variant in disease. Therefore, it has been classified as a Variant of Uncertain Significance. Algorithms developed to predict the effect of sequence changes on RNA splicing suggest that this variant may disrupt the consensus splice site. This variant has not been reported in the literature in individuals affected with COL12A1-related conditions. This variant is present in population databases (no rsID available, gnomAD 0.06%). This sequence change falls in intron 13 of the COL12A1 gene. It does not directly change the encoded amino acid sequence of the COL12A1 protein.